The following is an entry in ClinVar:

NM_000260.4(MYO7A):c.5743-17C>T

Gene: MYO7A (myosin VIIA; plus strand). Cytogenetic location: 11q13.5.
Variant type: single nucleotide variant.
Coding change: c.5743-17C>T on transcript NM_000260.4 (MANE Select); 17 bases into the intron before coding-DNA position 5743, C replaced by T.
Molecular consequence: intron variant.
Genome position (GRCh38, 1-based): chr11:77,207,272, C>T. VCF-style: chr11-77207272-C-T. GRCh37 (hg19) VCF-style: chr11-76918317-C-T.
Other names: c.5596-17C>T (NM_001369365.1); c.5629-17C>T (NM_001127180.2).
Identifiers: ClinVar variation 138408 (VCV000138408.11), dbSNP rs180929855, ClinGen allele CA292405.

ClinVar aggregate classification (germline): Benign. Review status: criteria provided, multiple submitters, no conflicts (2 of 4 stars). 3 submissions from 3 submitters: Benign (3). Last evaluated 2026-02-04.

Allele frequency attached by ClinVar (database versions not stated): ESP Exome Variant Server 0.00065; gnomAD exomes 0.00398 and 0.01921; gnomAD 0.00971 and 0.00995; TOPMed 0.01667; 1000 Genomes Project 0.01677; 1000 Genomes Project 30x 0.01889; ExAC 0.02243.
gnomAD v4.1: 7,203 of 1,582,004 alleles (0.46%); highest among the groups gnomAD compares: Admixed American, 12%; 482 homozygotes.

Submissions (3):

Labcorp Genetics (formerly Invitae), Labcorp
Classification: Benign. Last evaluated: 2026-02-04. Review status: criteria provided, single submitter. Criteria: Invitae Variant Classification Sherloc (09022015). Collection method: clinical testing. Allele origin: germline.

GeneDx
Classification: Benign. Last evaluated: 2013-04-23. Review status: criteria provided, single submitter. Criteria: GeneDx Variant Classification (06012015). Collection method: clinical testing. Allele origin: germline. Affected: yes.
Comment: This variant is considered likely benign or benign based on one or more of the following criteria: it is a conservative change, it occurs at a poorly conserved position in the protein, it is predicted to be benign by multiple in silico algorithms, and/or has population frequency not consistent with disease.

Breakthrough Genomics
Classification: Benign. Review status: criteria provided, single submitter. Criteria: ACMG Guidelines, 2015. Collection method: not provided. Allele origin: germline. Inheritance: Autosomal recessive inheritance. Affected: yes.